The following is an entry in ClinVar:

NM_001277115.2(DNAH11):c.4669C>T (p.Arg1557Ter)

Gene: DNAH11 (dynein axonemal heavy chain 11; plus strand). Cytogenetic location: 7p15.3.
Variant type: single nucleotide variant.
Coding change: c.4669C>T on transcript NM_001277115.2 (MANE Select); coding-DNA position 4669, C replaced by T.
Protein change: p.Arg1557Ter; replaces arginine 1557 with a stop codon.
Molecular consequence: nonsense.
Genome position (GRCh38, 1-based): chr7:21,636,039, C>T. VCF-style: chr7-21636039-C-T. GRCh37 (hg19) VCF-style: chr7-21675657-C-T.
Other names: NM_001277115.2:c.4669C>T; short protein forms R1557*.
Identifiers: ClinVar variation 3776922 (VCV003776922.2).

ClinVar aggregate classification (germline): Pathogenic/Likely pathogenic. Review status: criteria provided, multiple submitters, no conflicts (2 of 4 stars). 2 submissions from 2 submitters: Pathogenic (1); Likely pathogenic (1). Last evaluated 2025-04-09.

Conditions:
Primary ciliary dyskinesia 7. Also called: CILIARY DYSKINESIA, PRIMARY, 7, WITH OR WITHOUT SITUS INVERSUS. Identifiers: Orphanet 244, MedGen C2678473, MONDO:0012748, OMIM 611884.
Primary ciliary dyskinesia. Also called: Ciliary dyskinesia. Identifiers: Orphanet 244, MedGen C0008780, MONDO:0016575, HP:0012265.

gnomAD v4.1: 4 of 1,613,444 alleles (0.00025%); highest among the groups gnomAD compares: Admixed American, 0.0017%; no homozygotes.

Submissions (2):

Labcorp Genetics (formerly Invitae), Labcorp
Classification: Pathogenic for Primary ciliary dyskinesia. Last evaluated: 2025-04-09. Review status: criteria provided, single submitter. Criteria: Invitae Variant Classification Sherloc (09022015). Collection method: clinical testing. Allele origin: germline.
Comment: This sequence change creates a premature translational stop signal (p.Arg1557*) in the DNAH11 gene. It is expected to result in an absent or disrupted protein product. Loss-of-function variants in DNAH11 are known to be pathogenic (PMID: 18022865, 20513915, 22184204). The frequency data for this variant in the population databases is considered unreliable, as metrics indicate poor data quality at this position in the gnomAD database. This variant has not been reported in the literature in individuals affected with DNAH11-related conditions. Algorithms developed to predict the effect of sequence changes on RNA splicing suggest that this variant may disrupt the consensus splice site. For these reasons, this variant has been classified as Pathogenic.

Broad Center for Mendelian Genomics, Broad Institute of MIT and Harvard
Classification: Likely pathogenic for Primary ciliary dyskinesia 7. Last evaluated: 2025-02-12. Review status: criteria provided, single submitter. Criteria: ACMG Guidelines, 2015. Collection method: curation. Allele origin: germline. Inheritance: Autosomal recessive inheritance.
Comment: The p.Arg1557Ter variant in DNAH11 has been reported in 1 individual with primary ciliary dyskinesia (PMID: 35728977), and has been identified in 0.001% (1/59968) of Admixed American chromosomes by the Genome Aggregation Database (gnomAD; dbSNP rs759040005). Although this variant has been seen in the general population in a heterozygous state, its frequency is low enough to be consistent with a recessive carrier frequency. This nonsense variant leads to a premature termination codon at position 1557, which is predicted to lead to a truncated or absent protein. Loss of function of the DNAH11 gene is an established disease mechanism in autosomal recessive primary ciliary dyskinesia. In summary, although additional studies are required to fully establish its clinical significance, this variant is likely pathogenic for primary ciliary dyskinesia. ACMG/AMP Criteria applied: PVS1, PM2_supporting (Richards 2015).

Literature cited by the submitters: PubMed 18022865 (cited by Labcorp Genetics (formerly Invitae), Labcorp); PubMed 20513915 (cited by Labcorp Genetics (formerly Invitae), Labcorp); PubMed 22184204 (cited by Labcorp Genetics (formerly Invitae), Labcorp).